The following is an entry in ClinVar:

NM_016734.3(PAX5):c.857C>T (p.Pro286Leu)

Gene: PAX5 (paired box 5; minus strand). Cytogenetic location: 9p13.2.
Variant type: single nucleotide variant.
Coding change: c.857C>T on transcript NM_016734.3 (MANE Select); coding-DNA position 857, C replaced by T.
Protein change: p.Pro286Leu; replaces proline 286 with leucine.
Molecular consequence: missense variant. On other transcripts: intron variant (2).
Genome position (GRCh38, 1-based): chr9:36,923,408, G>A on the plus strand (C>T on the coding strand, the complement: PAX5 is on the minus strand). VCF-style: chr9-36923408-G-A. GRCh37 (hg19) VCF-style: chr9-36923405-G-A.
Other names: c.857C>T, p.Pro286Leu (LRG_1384t1, NM_001280547.2, NM_001280548.2 and 1 more transcripts); c.533C>T, p.Pro178Leu (NM_001280551.2, NM_001280556.2); c.728C>T, p.Pro243Leu (NM_001280553.2, NM_001280554.2); c.659C>T, p.Pro220Leu (NM_001280555.2); c.780+43141C>T (NM_001280550.2, NM_001280549.2); short protein forms P286L, P178L, P220L, P243L.
Identifiers: ClinVar variation 135002 (VCV000135002.1), dbSNP rs587778590, ClinGen allele CA161369.

ClinVar aggregate classification (germline): not provided (0 of 4 stars; one submission).

Allele frequency attached by ClinVar (database versions not stated): gnomAD exomes below 0.00001.
gnomAD v4.1: 1 of 1,613,358 alleles (0.000062%); highest among the groups gnomAD compares: South Asian, 0.0011%; no homozygotes.

Submission:

ITMI
No classification provided. Condition: AllHighlyPenetrant. Last evaluated: 2013-09-19. Review status: no classification provided. Collection method: reference population. Allele origin: germline.
Comment: Please see associated publication for description of ethnicities

Literature cited by the submitters: PubMed 24728327.